The following is an entry in ClinVar:

NM_005431.2(XRCC2):c.563_564delinsTT (p.Arg188Leu)

Gene: XRCC2 (X-ray repair cross complementing 2; minus strand). Cytogenetic location: 7q36.1.
Variant type: Indel.
Coding change: c.563_564delinsTT on transcript NM_005431.2 (MANE Select); coding-DNA positions 563 to 564, GC replaced by TT.
Protein change: p.Arg188Leu; replaces arginine 188 with leucine.
Molecular consequence: missense variant.
Genome position (GRCh38, 1-based): chr7:152,648,921-152,648,922, GC replaced by AA on the plus strand (GC replaced by TT on the coding strand, the reverse complement: XRCC2 is on the minus strand). VCF-style: chr7-152648921-GC-AA. GRCh37 (hg19) VCF-style: chr7-152346006-GC-AA.
Other names: short protein forms R188L.
Identifiers: ClinVar variation 1748755 (VCV001748755.4), dbSNP rs2485880994, ClinGen allele CA2580077742.

ClinVar aggregate classification (germline): Uncertain significance. Review status: criteria provided, multiple submitters, no conflicts (2 of 4 stars). 2 submissions from 2 submitters: Uncertain significance (2). Last evaluated 2024-06-11.

Conditions:
Hereditary cancer-predisposing syndrome. Also called: Hereditary Cancer Syndrome; Hereditary neoplastic syndrome; Neoplastic Syndromes, Hereditary; Tumor predisposition. Identifiers: Orphanet 140162, MedGen C0027672, MeSH D009386, MONDO:0015356.

Submissions (2):

Ambry Genetics
Classification: Uncertain significance for Hereditary cancer-predisposing syndrome. Last evaluated: 2024-06-11. Review status: criteria provided, single submitter. Criteria: Ambry Variant Classification Scheme 2023. Collection method: clinical testing. Allele origin: germline.
Comment: The c.563_564delGCinsTT variant (also known as p.R188L), located in coding exon 3 of the XRCC2 gene, results from an in-frame deletion of GC and insertion of TT at nucleotide positions 563 to 564. This results in the substitution of the arginine residue for a leucine residue at codon 188, an amino acid with dissimilar properties. This amino acid position is not well conserved in available vertebrate species. In addition, the in silico prediction for this alteration is inconclusive (Choi Y et al. PLoS ONE. 2012; 7(10):e46688). Based on the available evidence, the clinical significance of this variant remains unclear.

Blueprint Genetics
Classification: Uncertain significance. Last evaluated: 2022-07-06. Review status: criteria provided, single submitter. Criteria: ACMG Guidelines, 2015. Collection method: clinical testing. Allele origin: germline.